The following is an entry in ClinVar:

ClinVar aggregate classification (germline): Uncertain significance (1 of 4 stars; one submission).

Conditions:
Norman-Roberts syndrome (LIS2). Also called: Lissencephaly 2 (Norman-Roberts type). Identifiers: Orphanet 89844, MedGen C0796089, MONDO:0009760, OMIM 257320.
Familial temporal lobe epilepsy 7. Identifiers: Orphanet 101046, MedGen C4225327, MONDO:0014639, OMIM 616436.

gnomAD v4.1: 1 of 1,613,392 alleles (0.000062%); highest among the groups gnomAD compares: Admixed American, 0.0017%; no homozygotes.

Submission:

Labcorp Genetics (formerly Invitae), Labcorp
Classification: Uncertain significance for Familial temporal lobe epilepsy 7; Norman-Roberts syndrome. Last evaluated: 2022-06-23. Review status: criteria provided, single submitter. Criteria: Invitae Variant Classification Sherloc (09022015). Collection method: clinical testing. Allele origin: germline.
Comment: This sequence change replaces tryptophan, which is neutral and slightly polar, with cysteine, which is neutral and slightly polar, at codon 2753 of the RELN protein (p.Trp2753Cys). This variant is not present in population databases (gnomAD no frequency). This variant has not been reported in the literature in individuals affected with RELN-related conditions. Algorithms developed to predict the effect of missense changes on protein structure and function are either unavailable or do not agree on the potential impact of this missense change (SIFT: "Deleterious"; PolyPhen-2: "Probably Damaging"; Align-GVGD: "Class C0"). In summary, the available evidence is currently insufficient to determine the role of this variant in disease. Therefore, it has been classified as a Variant of Uncertain Significance.

NM_005045.4(RELN):c.8259G>C (p.Trp2753Cys)

Genes: SLC26A5-AS1 (SLC26A5 antisense RNA 1; plus strand), RELN (reelin; minus strand). Cytogenetic location: 7q22.1.
Variant type: single nucleotide variant.
Coding change: c.8259G>C on transcript NM_005045.4 (MANE Select); coding-DNA position 8259, G replaced by C.
Protein change: p.Trp2753Cys; replaces tryptophan 2753 with cysteine.
Molecular consequence: missense variant.
Genome position (GRCh38, 1-based): chr7:103,510,866, C>G on the plus strand (G>C on the coding strand, the complement: RELN is on the minus strand). VCF-style: chr7-103510866-C-G. GRCh37 (hg19) VCF-style: chr7-103151313-C-G.
Other names: c.8259G>C, p.Trp2753Cys (NM_173054.3); short protein forms W2753C.
Identifiers: ClinVar variation 2138898 (VCV002138898.4), dbSNP rs1829384493, ClinGen allele CA368761211.